The following is an entry in ClinVar:

ClinVar aggregate classification (germline): Likely benign (0 of 4 stars; one submission).

Conditions:
ZNF292-related disorder. Also called: ZNF292-related condition.

Allele frequency attached by ClinVar (database versions not stated): gnomAD exomes 0.00003; ExAC 0.00008; 1000 Genomes Project 30x 0.00016; 1000 Genomes Project 0.00020; TOPMed 0.00035; gnomAD 0.00038; ESP Exome Variant Server 0.00050.
gnomAD v4.1: 98 of 1,610,652 alleles (0.0061%); highest among the groups gnomAD compares: African/African-American, 0.13%; 1 homozygote.

Submission:

PreventionGenetics, part of Exact Sciences
Classification: Likely benign for ZNF292-related condition. Last evaluated: 2023-12-05. Review status: no assertion criteria provided. Collection method: clinical testing. Allele origin: germline.
Comment: This variant is classified as likely benign based on ACMG/AMP sequence variant interpretation guidelines (Richards et al. 2015 PMID: 25741868, with internal and published modifications).

NM_015021.3(ZNF292):c.7316C>G (p.Ser2439Cys)

Gene: ZNF292 (zinc finger protein 292; plus strand). Cytogenetic location: 6q14.3.
Variant type: single nucleotide variant.
Coding change: c.7316C>G on transcript NM_015021.3 (MANE Select); coding-DNA position 7316, C replaced by G.
Protein change: p.Ser2439Cys; replaces serine 2439 with cysteine.
Molecular consequence: missense variant.
Genome position (GRCh38, 1-based): chr6:87,260,945, C>G. VCF-style: chr6-87260945-C-G. GRCh37 (hg19) VCF-style: chr6-87970663-C-G.
Other names: c.6896C>G, p.Ser2299Cys (NM_001351444.2); short protein forms S2299C, S2439C.
Identifiers: ClinVar variation 3052695 (VCV003052695.2), dbSNP rs200115652, ClinGen allele CA3914773.